The following is an entry in ClinVar:

ClinVar aggregate classification (germline): Uncertain significance (1 of 4 stars; one submission).

Submission:

GeneDx
Classification: Uncertain significance. Last evaluated: 2024-12-09. Review status: criteria provided, single submitter. Criteria: GeneDx Variant Classification Process June 2021. Collection method: clinical testing. Allele origin: germline. Affected: yes.
Comment: Not observed at significant frequency in large population cohorts (gnomAD); In silico analysis supports that this missense variant has a deleterious effect on protein structure/function; Has not been previously published as pathogenic or benign to our knowledge

NM_032656.4(DHX37):c.2622T>G (p.Phe874Leu)

Gene: DHX37 (DEAH-box helicase 37; minus strand). Cytogenetic location: 12q24.31.
Variant type: single nucleotide variant.
Coding change: c.2622T>G on transcript NM_032656.4 (MANE Select); coding-DNA position 2622, T replaced by G.
Protein change: p.Phe874Leu; replaces phenylalanine 874 with leucine.
Molecular consequence: missense variant.
Genome position (GRCh38, 1-based): chr12:124,953,953, A>C on the plus strand (T>G on the coding strand, the complement: DHX37 is on the minus strand). VCF-style: chr12-124953953-A-C. GRCh37 (hg19) VCF-style: chr12-125438499-A-C.
Other names: short protein forms F874L.
Identifiers: ClinVar variation 3903354 (VCV003903354.1).